The following is an entry in ClinVar:

ClinVar aggregate classification (germline): Pathogenic (1 of 4 stars; one submission).

Conditions:
Multiple congenital exostosis (EXT). Also called: Hereditary multiple osteochondromas; Hereditary multiple exostoses; Hereditary multiple exostosis; MULTIPLE CARTILAGINOUS EXOSTOSES; Multiple osteochondromas; Multiple exostoses. Identifiers: Orphanet 321, MedGen C0015306, MONDO:0005508, HP:0002762.

Submission:

Labcorp Genetics (formerly Invitae), Labcorp
Classification: Pathogenic for Multiple congenital exostosis. Last evaluated: 2025-01-15. Review status: criteria provided, single submitter. Criteria: Invitae Variant Classification Sherloc (09022015). Collection method: clinical testing. Allele origin: germline.
Comment: This variant, c.995_1000del, is a complex sequence change that results in the deletion of 3 and insertion of 1 amino acid(s) in the EXT1 protein (p.Thr332_Cys334delinsSer). This variant is not present in population databases (gnomAD no frequency). This variant has been observed in individual(s) with osteochondromas (internal data). ClinVar contains an entry for this variant (Variation ID: 1050990). Experimental studies and prediction algorithms are not available or were not evaluated, and the functional significance of this variant is currently unknown. This variant disrupts a region of the EXT1 protein in which other variant(s) (p.Cys334Arg) have been determined to be pathogenic (internal data). This suggests that this is a clinically significant region of the protein, and that variants that disrupt it are likely to be disease-causing. For these reasons, this variant has been classified as Pathogenic.

NM_000127.3(EXT1):c.995_1000del (p.Thr332_Cys334delinsSer)

Gene: EXT1 (exostosin glycosyltransferase 1; minus strand). Cytogenetic location: 8q24.11.
Variant type: Deletion.
Coding change: c.995_1000del on transcript NM_000127.3 (MANE Select); coding-DNA positions 995 to 1000, 6 bases deleted (CTTTCT; older notation c.995_1000delCTTTCT).
Protein change: p.Thr332_Cys334delinsSer.
Molecular consequence: inframe indel.
Genome position (GRCh38, 1-based): chr8:117,837,164-117,837,169, AGAAAG deleted on the plus strand (CTTTCT on the coding strand, the reverse complement: EXT1 is on the minus strand). VCF-style (leftmost placement, unchanged base first): chr8-117837163-CAGAAAG-C. GRCh37 (hg19) VCF-style: chr8-118849402-CAGAAAG-C.
Identifiers: ClinVar variation 1050990 (VCV001050990.7), dbSNP rs2129791337, ClinGen allele CA2499219104.